The following is an entry in ClinVar:

NM_019098.5(CNGB3):c.1050_1051del (p.Tyr351fs)

Gene: CNGB3 (cyclic nucleotide gated channel subunit beta 3; minus strand). Cytogenetic location: 8q21.3.
Variant type: Deletion.
Coding change: c.1050_1051del on transcript NM_019098.5 (MANE Select); coding-DNA positions 1050 to 1051, 2 bases deleted (CT; older notation c.1050_1051delCT).
Protein change: p.Tyr351fs; shifts the reading frame from tyrosine 351.
Molecular consequence: frameshift variant.
Genome position (GRCh38, 1-based): chr8:86,644,626-86,644,627, AG deleted on the plus strand (CT on the coding strand, the reverse complement: CNGB3 is on the minus strand); deleting any 2 consecutive bases within chr8:86,644,626-86,644,628 gives the same sequence; the c. name uses the placement nearest the transcript's 3' end. VCF-style (leftmost placement, unchanged base first): chr8-86644625-TAG-T. GRCh37 (hg19) VCF-style: chr8-87656853-TAG-T.
Other names: short protein forms Y351fs.
Identifiers: ClinVar variation 2962209 (VCV002962209.3), dbSNP rs2538099867, ClinGen allele CA2740095065.

ClinVar aggregate classification (germline): Pathogenic (1 of 4 stars; one submission).

Submission:

Labcorp Genetics (formerly Invitae), Labcorp
Classification: Pathogenic. Last evaluated: 2023-11-17. Review status: criteria provided, single submitter. Criteria: Invitae Variant Classification Sherloc (09022015). Collection method: clinical testing. Allele origin: germline.
Comment: This sequence change creates a premature translational stop signal (p.Tyr351Glnfs*16) in the CNGB3 gene. It is expected to result in an absent or disrupted protein product. Loss-of-function variants in CNGB3 are known to be pathogenic (PMID: 28795510). This variant is not present in population databases (gnomAD no frequency). This variant has not been reported in the literature in individuals affected with CNGB3-related conditions. For these reasons, this variant has been classified as Pathogenic.

Literature cited by the submitters: PubMed 28795510.